The following is an entry in ClinVar:

NM_145261.4(DNAJC19):c.280+5G>C

Gene: DNAJC19 (DnaJ heat shock protein family (Hsp40) member C19; minus strand). Cytogenetic location: 3q26.33.
Variant type: single nucleotide variant.
Coding change: c.280+5G>C on transcript NM_145261.4 (MANE Select); 5 bases into the intron after coding-DNA position 280, G replaced by C.
Molecular consequence: intron variant.
Genome position (GRCh38, 1-based): chr3:180,985,921, C>G on the plus strand (G>C on the coding strand, the complement: DNAJC19 is on the minus strand). VCF-style: chr3-180985921-C-G. GRCh37 (hg19) VCF-style: chr3-180703709-C-G.
Other names: c.205+5G>C (NM_001190233.2).
Identifiers: ClinVar variation 1444627 (VCV001444627.6), dbSNP rs762722601, ClinGen allele CA2717071.

ClinVar aggregate classification (germline): Uncertain significance (1 of 4 stars; one submission).

Conditions:
3-methylglutaconic aciduria type 5. Also called: MGA, TYPE V; CARDIOMYOPATHY, DILATED, WITH ATAXIA; 3 alpha methylglutaconic aciduria type V; MGA 5. Identifiers: Orphanet 66634, MedGen C1857776, MONDO:0012435, OMIM 610198.

Allele frequency attached by ClinVar (database versions not stated): gnomAD 0.00002; ExAC 0.00003; gnomAD exomes 0.00004 and 0.00006.

Submission:

Labcorp Genetics (formerly Invitae), Labcorp
Classification: Uncertain significance for 3-methylglutaconic aciduria type 5. Last evaluated: 2021-04-21. Review status: criteria provided, single submitter. Criteria: Invitae Variant Classification Sherloc (09022015). Collection method: clinical testing. Allele origin: germline.
Comment: This sequence change falls in intron 5 of the DNAJC19 gene. It does not directly change the encoded amino acid sequence of the DNAJC19 protein. It affects a nucleotide within the consensus splice site of the intron. This variant is present in population databases (rs762722601, ExAC 0.02%). This variant has not been reported in the literature in individuals with DNAJC19-related conditions. Nucleotide substitutions within the consensus splice site are a relatively common cause of aberrant splicing (PMID: 17576681, 9536098). Algorithms developed to predict the effect of sequence changes on RNA splicing suggest that this variant may disrupt the consensus splice site, but this prediction has not been confirmed by published transcriptional studies. In summary, the available evidence is currently insufficient to determine the role of this variant in disease. Therefore, it has been classified as a Variant of Uncertain Significance.

Literature cited by the submitters: PubMed 17576681; PubMed 9536098.